The following is an entry in ClinVar:

NM_024339.5(THOC6):c.156-13G>A

Gene: THOC6 (THO complex subunit 6; plus strand). Cytogenetic location: 16p13.3.
Variant type: single nucleotide variant.
Coding change: c.156-13G>A on transcript NM_024339.5 (MANE Select); 13 bases into the intron before coding-DNA position 156, G replaced by A.
Molecular consequence: intron variant.
Genome position (GRCh38, 1-based): chr16:3,025,911, G>A. VCF-style: chr16-3025911-G-A. GRCh37 (hg19) VCF-style: chr16-3075912-G-A.
Other names: c.156-13G>A (NM_001142350.3, NM_001347704.2); c.84-13G>A (NM_001347703.2).
Identifiers: ClinVar variation 3368495 (VCV003368495.1).

ClinVar aggregate classification (germline): Uncertain significance (1 of 4 stars; one submission).

gnomAD v4.1: 12 of 1,614,168 alleles (0.00074%); highest among the groups gnomAD compares: African/African-American, 0.0027%; no homozygotes.

Submission:

GeneDx
Classification: Uncertain significance. Last evaluated: 2024-01-31. Review status: criteria provided, single submitter. Criteria: GeneDx Variant Classification Process June 2021. Collection method: clinical testing. Allele origin: germline. Affected: yes.
Comment: Not observed at significant frequency in large population cohorts (gnomAD); In silico analysis supports that this variant does not alter splicing; Has not been previously published as pathogenic or benign to our knowledge